The following is an entry in ClinVar:

NM_000123.4(ERCC5):c.2377C>T (p.Gln793Ter)

Genes: BIVM-ERCC5 (BIVM-ERCC5 readthrough; plus strand), ERCC5 (ERCC excision repair 5, endonuclease; plus strand), LOC126861834 (BRD4-independent group 4 enhancer GRCh37_chr13:103518038-103519237; plus strand). Cytogenetic location: 13q33.1.
Variant type: single nucleotide variant.
Coding change: c.2377C>T on transcript NM_000123.4 (MANE Select); coding-DNA position 2377, C replaced by T.
Protein change: p.Gln793Ter; replaces glutamine 793 with a stop codon.
Molecular consequence: nonsense.
Genome position (GRCh38, 1-based): chr13:102,866,689, C>T. VCF-style: chr13-102866689-C-T. GRCh37 (hg19) VCF-style: chr13-103519039-C-T.
Other names: c.3739C>T, p.Gln1247Ter (NM_001204425.2); short protein forms Q1247*, Q793*.
Identifiers: ClinVar variation 4769319 (VCV004769319.1).

ClinVar aggregate classification (germline): Pathogenic (1 of 4 stars; one submission).

Submission:

Labcorp Genetics (formerly Invitae), Labcorp
Classification: Pathogenic. Last evaluated: 2025-07-30. Review status: criteria provided, single submitter. Criteria: Invitae Variant Classification Sherloc (09022015). Collection method: clinical testing. Allele origin: germline.
Comment: This sequence change creates a premature translational stop signal (p.Gln793*) in the ERCC5 gene. It is expected to result in an absent or disrupted protein product. Loss-of-function variants in ERCC5 are known to be pathogenic (PMID: 23370536, 24700531, 30919937). This variant is not present in population databases (gnomAD no frequency). This variant has not been reported in the literature in individuals affected with ERCC5-related conditions. For these reasons, this variant has been classified as Pathogenic.

Literature cited by the submitters: PubMed 23370536; PubMed 24700531; PubMed 30919937.